The following is an entry in ClinVar:

NM_014975.3(MAST1):c.4255G>C (p.Glu1419Gln)

Gene: MAST1 (microtubule associated serine/threonine kinase 1; plus strand). Cytogenetic location: 19p13.13.
Variant type: single nucleotide variant.
Coding change: c.4255G>C on transcript NM_014975.3 (MANE Select); coding-DNA position 4255, G replaced by C.
Protein change: p.Glu1419Gln; replaces glutamic acid 1419 with glutamine.
Molecular consequence: missense variant.
Genome position (GRCh38, 1-based): chr19:12,874,412, G>C. VCF-style: chr19-12874412-G-C. GRCh37 (hg19) VCF-style: chr19-12985226-G-C.
Other names: short protein forms E1419Q.
Identifiers: ClinVar variation 2097559 (VCV002097559.4), dbSNP rs2512545679, ClinGen allele CA404291106.

ClinVar aggregate classification (germline): Uncertain significance (1 of 4 stars; one submission).

Submission:

Labcorp Genetics (formerly Invitae), Labcorp
Classification: Uncertain significance. Last evaluated: 2023-08-30. Review status: criteria provided, single submitter. Criteria: Invitae Variant Classification Sherloc (09022015). Collection method: clinical testing. Allele origin: germline.
Comment: In summary, the available evidence is currently insufficient to determine the role of this variant in disease. Therefore, it has been classified as a Variant of Uncertain Significance. An algorithm developed to predict the effect of missense changes on protein structure and function (PolyPhen-2) suggests that this variant is likely to be disruptive. ClinVar contains an entry for this variant (Variation ID: 2097559). This variant has not been reported in the literature in individuals affected with MAST1-related conditions. This variant is not present in population databases (gnomAD no frequency). This sequence change replaces glutamic acid, which is acidic and polar, with glutamine, which is neutral and polar, at codon 1419 of the MAST1 protein (p.Glu1419Gln).